The following is an entry in ClinVar:

NM_000038.6(APC):c.7259C>A (p.Ser2420Tyr)

Gene: APC (APC regulator of Wnt signaling pathway; plus strand). Cytogenetic location: 5q22.2.
Variant type: single nucleotide variant.
Coding change: c.7259C>A on transcript NM_000038.6 (MANE Select); coding-DNA position 7259, C replaced by A.
Protein change: p.Ser2420Tyr; replaces serine 2420 with tyrosine.
Molecular consequence: missense variant. On other transcripts: non-coding transcript variant (2).
Genome position (GRCh38, 1-based): chr5:112,842,853, C>A. VCF-style: chr5-112842853-C-A. GRCh37 (hg19) VCF-style: chr5-112178550-C-A.
Other names: c.7259C>A, p.Ser2420Tyr (NM_001127510.3, NM_001354895.2, NM_001407450.1); c.7205C>A, p.Ser2402Tyr (NM_001127511.3); c.7313C>A, p.Ser2438Tyr (NM_001354896.2, NM_001407447.1, NM_001407448.1 and 1 more transcripts); c.7289C>A, p.Ser2430Tyr (NM_001354897.2); c.7184C>A, p.Ser2395Tyr (NM_001354898.2); c.7175C>A, p.Ser2392Tyr (NM_001354899.2); c.7136C>A, p.Ser2379Tyr (NM_001354900.2); c.7082C>A, p.Ser2361Tyr (NM_001354901.2, NM_001407453.1); and 11 more; short protein forms S2036Y, S2337Y, S2420Y, S2260Y, S2291Y, S2329Y, S2402Y, S2413Y.
Identifiers: ClinVar variation 4825078 (VCV004825078.1).

ClinVar aggregate classification (germline): Uncertain significance (1 of 4 stars; one submission).

Conditions:
Hereditary cancer-predisposing syndrome. Also called: Neoplastic Syndromes, Hereditary; Tumor predisposition; Hereditary Cancer Syndrome; Hereditary neoplastic syndrome. Identifiers: Orphanet 140162, MedGen C0027672, MeSH D009386, MONDO:0015356.

Submission:

Ambry Genetics
Classification: Uncertain significance for Hereditary cancer-predisposing syndrome. Last evaluated: 2026-02-20. Review status: criteria provided, single submitter. Criteria: Ambry Variant Classification Scheme 2023. Collection method: clinical testing. Allele origin: germline.
Comment: The p.S2420Y variant (also known as c.7259C>A), located in coding exon 15 of the APC gene, results from a C to A substitution at nucleotide position 7259. The serine at codon 2420 is replaced by tyrosine, an amino acid with dissimilar properties. This amino acid position is conserved. In addition, in silico predictors for this gene do not accurately predict pathogenicity. Based on the available evidence, the clinical significance of this variant remains unclear.